The following is an entry in ClinVar:

NM_001711.6(BGN):c.125C>T (p.Ser42Leu)

Gene: BGN (biglycan; plus strand). Cytogenetic location: Xq28.
Variant type: single nucleotide variant.
Coding change: c.125C>T on transcript NM_001711.6 (MANE Select); coding-DNA position 125, C replaced by T.
Protein change: p.Ser42Leu; replaces serine 42 with leucine.
Molecular consequence: missense variant.
Genome position (GRCh38, 1-based): chrX:153,504,756, C>T. VCF-style: chrX-153504756-C-T. GRCh37 (hg19) VCF-style: chrX-152770214-C-T.
Other names: short protein forms S42L.
Identifiers: ClinVar variation 1762726 (VCV001762726.4), dbSNP rs2089786356, ClinGen allele CA415068008.
Genomic context (GRCh38, chrX:153,504,756, plus strand): 5'-GAGGCTTCTGGGACTTCACCCTGGACGATGGGCCATTCATGATGAACGATGAGGAAGCTT[C>T]GGGCGCTGACACCTCGGGCGTCCTGGACCCGGACTCTGTCACACCCACCTACAGCGCCAT-3'
Protein context (NP_001702.1, residues 32-52): GPFMMNDEEA[Ser42Leu]GADTSGVLDP

ClinVar aggregate classification (germline): Uncertain significance. Review status: criteria provided, multiple submitters, no conflicts (2 of 4 stars). 2 submissions from 2 submitters: Uncertain significance (2). Last evaluated 2024-06-25.

Conditions:
Cardiovascular phenotype. Identifiers: MedGen CN230736.

Allele frequency attached by ClinVar (database versions not stated): gnomAD exomes below 0.00001; TOPMed below 0.00001.

Submissions (2):

Labcorp Genetics (formerly Invitae), Labcorp
Classification: Uncertain significance. Last evaluated: 2024-06-25. Review status: criteria provided, single submitter. Criteria: Invitae Variant Classification Sherloc (09022015). Collection method: clinical testing. Allele origin: germline.
Comment: This sequence change replaces serine, which is neutral and polar, with leucine, which is neutral and non-polar, at codon 42 of the BGN protein (p.Ser42Leu). This variant is not present in population databases (gnomAD no frequency). This variant has not been reported in the literature in individuals affected with BGN-related conditions. ClinVar contains an entry for this variant (Variation ID: 1762726). An algorithm developed to predict the effect of missense changes on protein structure and function (PolyPhen-2) suggests that this variant is likely to be disruptive. In summary, the available evidence is currently insufficient to determine the role of this variant in disease. Therefore, it has been classified as a Variant of Uncertain Significance.

Ambry Genetics
Classification: Uncertain significance for Cardiovascular phenotype. Last evaluated: 2022-01-17. Review status: criteria provided, single submitter. Criteria: Ambry Variant Classification Scheme 2023. Collection method: clinical testing. Allele origin: germline.
Comment: The p.S42L variant (also known as c.125C>T), located in coding exon 1 of the BGN gene, results from a C to T substitution at nucleotide position 125. The serine at codon 42 is replaced by leucine, an amino acid with dissimilar properties. This amino acid position is conserved. In addition, this alteration is predicted to be tolerated by in silico analysis. Since supporting evidence is limited at this time, the clinical significance of this alteration remains unclear.